The following is an entry in ClinVar:

ClinVar aggregate classification (germline): Uncertain significance. Review status: criteria provided, multiple submitters, no conflicts (2 of 4 stars). 2 submissions from 2 submitters: Uncertain significance (2). Last evaluated 2022-04-02.

Conditions:
Dilated cardiomyopathy 1AA (CMD1AA). Also called: Cardiomyopathy, dilated, 1AA, with or without LVNC; CARDIOMYOPATHY, DILATED, 1AA, WITH OR WITHOUT LEFT VENTRICULAR NONCOMPACTION; CARDIOMYOPATHY, FAMILIAL HYPERTROPHIC, 23, WITH OR WITHOUT LEFT VENTRICULAR NONCOMPACTION. Identifiers: Orphanet 154, MedGen C2677338, MONDO:0012808, OMIM 612158.
Primary familial hypertrophic cardiomyopathy (HCM). Identifiers: Orphanet 99739, MedGen C0949658, MeSH D024741, MONDO:0024573. Inheritance: Various modes of inheritance.

Submissions (2):

Labcorp Genetics (formerly Invitae), Labcorp
Classification: Uncertain significance for Primary familial hypertrophic cardiomyopathy; Dilated cardiomyopathy 1AA. Last evaluated: 2022-04-02. Review status: criteria provided, single submitter. Criteria: Invitae Variant Classification Sherloc (09022015). Collection method: clinical testing. Allele origin: germline.
Comment: This variant has not been reported in the literature in individuals affected with ACTN2-related conditions. This sequence change creates a premature translational stop signal (p.Tyr429*) in the ACTN2 gene. It is expected to result in an absent or disrupted protein product. However, the current clinical and genetic evidence is not sufficient to establish whether loss-of-function variants in ACTN2 cause disease. This variant is not present in population databases (gnomAD no frequency). ClinVar contains an entry for this variant (Variation ID: 201637). In summary, the available evidence is currently insufficient to determine the role of this variant in disease. Therefore, it has been classified as a Variant of Uncertain Significance.

GeneDx
Classification: Uncertain significance. Last evaluated: 2013-09-17. Review status: criteria provided, single submitter. Criteria: GeneDx Variant Classification (06012015). Collection method: clinical testing. Allele origin: germline. Affected: yes.
Comment: The Tyr429Stop variant in the ACTN2 gene has not been reported as a disease-causing mutation or as a benign polymorphism to our knowledge. Tyr429Stop is predicted to cause loss of normal protein function either by protein truncation or nonsense-mediated mRNA decay. However, no nonsense mutations in the ACTN2 gene have been reported in association with DCM; the majority of mutations in ACTN2 are missense changes. Nevertheless, the Tyr429Stop variant was not observed in approximately 6,500 individuals of European and African American ancestry in the NHLBI Exome Sequencing Project, indicating it is not a common benign variant in these populations. With the clinical and molecular information available at this time, we cannot definitively determine if Tyr429Stop is a disease-causing mutation or a rare benign variant. The variant is found in DCM panel(s).

NM_001103.4(ACTN2):c.1287C>G (p.Tyr429Ter)

Gene: ACTN2 (actinin alpha 2; plus strand). Cytogenetic location: 1q43.
Variant type: single nucleotide variant.
Coding change: c.1287C>G on transcript NM_001103.4 (MANE Select); coding-DNA position 1287, C replaced by G.
Protein change: p.Tyr429Ter; replaces tyrosine 429 with a stop codon.
Molecular consequence: nonsense.
Genome position (GRCh38, 1-based): chr1:236,744,657, C>G. VCF-style: chr1-236744657-C-G. GRCh37 (hg19) VCF-style: chr1-236907957-C-G.
Other names: p.Y429*:TAC>TAG; c.1287C>G, p.Tyr429Ter (NM_001278343.2); c.663C>G, p.Tyr221Ter (NM_001278344.2); short protein forms Y429*, Y221*.
Identifiers: ClinVar variation 201637 (VCV000201637.5), dbSNP rs764881077, ClinGen allele CA335023.
Genomic context (GRCh38, chr1:236,744,657, plus strand): 5'-TTCATACTTTCTTGCTACCACCTTTGCAGGCAAAGAGCAGATCTTGCTGCAGAAGGATTA[C>G]GAGTCGGCGTCGCTGACAGAGGTGCGGGCTCTGCTGCGGAAGCACGAGGCGTTCGAGAGC-3'